The following is an entry in ClinVar:

NM_002936.6(RNASEH1):c.845_846dup (p.Gln283fs)

Gene: RNASEH1 (ribonuclease H1; minus strand). Cytogenetic location: 2p25.3.
Variant type: Duplication.
Coding change: c.845_846dup on transcript NM_002936.6 (MANE Select); coding-DNA positions 845 to 846, 2 bases duplicated (AA; older notation c.845_846dupAA).
Protein change: p.Gln283fs; shifts the reading frame from glutamine 283.
Molecular consequence: frameshift variant. On other transcripts: 3 prime UTR variant (1), non-coding transcript variant (7).
Genome position (GRCh38, 1-based): chr2:3,545,800-3,545,801, TT duplicated on the plus strand (AA on the coding strand, the reverse complement: RNASEH1 is on the minus strand); duplicating any 2 consecutive bases within chr2:3,545,800-3,545,802 gives the same sequence; the c. name uses the placement nearest the transcript's 3' end. VCF-style (leftmost placement, unchanged base first): chr2-3545799-G-GTT. GRCh37 (hg19) VCF-style: chr2-3593389-G-GTT.
Other names: c.767_768dup, p.Gln257fs (NM_001286834.3); c.494_495dup, p.Gln166fs (NM_001286837.3); c.*40_*41dup (NM_001378271.1); c.842_843dup, p.Gln282fs (NM_001378272.1); c.830_831dup, p.Gln278fs (NM_001378273.1); short protein forms Q166fs, Q257fs, Q278fs, Q282fs, Q283fs.
Identifiers: ClinVar variation 4810135 (VCV004810135.1).

ClinVar aggregate classification (germline): Uncertain significance (1 of 4 stars; one submission).

Submission:

Labcorp Genetics (formerly Invitae), Labcorp
Classification: Uncertain significance. Last evaluated: 2025-07-13. Review status: criteria provided, single submitter. Criteria: Invitae Variant Classification Sherloc (09022015). Collection method: clinical testing. Allele origin: germline.
Comment: This sequence change is expected to alter the c-terminus of the RNASEH1 protein (p.Gln283Asnfs*35). While this is not anticipated to result in nonsense mediated decay, it is expected to disrupt the last 4 amino acid(s) of the RNASEH1 protein and extend the protein by 30 additional amino acid residues. This variant is not present in population databases (gnomAD no frequency). This variant has not been reported in the literature in individuals affected with RNASEH1-related conditions. Experimental studies and prediction algorithms are not available or were not evaluated, and the functional significance of this variant is currently unknown. In summary, the available evidence is currently insufficient to determine the role of this variant in disease. Therefore, it has been classified as a Variant of Uncertain Significance.